The following is an entry in ClinVar:

NM_006073.4(TRDN):c.1472-13C>T

Gene: TRDN (triadin; minus strand). Cytogenetic location: 6q22.31.
Variant type: single nucleotide variant.
Coding change: c.1472-13C>T on transcript NM_006073.4 (MANE Select); 13 bases into the intron before coding-DNA position 1472, C replaced by T.
Molecular consequence: intron variant.
Genome position (GRCh38, 1-based): chr6:123,316,508, G>A on the plus strand (C>T on the coding strand, the complement: TRDN is on the minus strand). VCF-style: chr6-123316508-G-A. GRCh37 (hg19) VCF-style: chr6-123637653-G-A.
Identifiers: ClinVar variation 504835 (VCV000504835.18), dbSNP rs367962513, ClinGen allele CA3983930.

ClinVar aggregate classification (germline): Likely benign. Review status: criteria provided, multiple submitters, no conflicts (2 of 4 stars). 5 submissions from 5 submitters: Likely benign (5). Last evaluated 2025-12-31.

Conditions:
Catecholaminergic polymorphic ventricular tachycardia 1. Also called: RYR2-Related Catecholaminergic Polymorphic Ventricular Tachycardia; VENTRICULAR TACHYCARDIA, STRESS-INDUCED POLYMORPHIC 1; VENTRICULAR TACHYCARDIA, CATECHOLAMINERGIC POLYMORPHIC, 1, WITH OR WITHOUT ATRIAL DYSFUNCTION AND/OR DILATED CARDIOMYOPATHY. Identifiers: Orphanet 3286, MedGen C1631597, MONDO:0011484, OMIM 604772.
Catecholaminergic polymorphic ventricular tachycardia 5 (CARDAR). Also called: Ventricular tachycardia, catecholaminergic polymorphic, 5, with or without muscle weakness; CARDIAC ARRHYTHMIA SYNDROME, WITH OR WITHOUT SKELETAL MUSCLE WEAKNESS. Identifiers: Orphanet 3286, MedGen C3809536, MONDO:0014191, OMIM 615441.

Allele frequency attached by ClinVar (database versions not stated): gnomAD exomes 0.00006 and 0.00012; ExAC 0.00013; gnomAD 0.00033 and 0.00034; TOPMed 0.00046; ESP Exome Variant Server 0.00059; 1000 Genomes Project 30x 0.00094; 1000 Genomes Project 0.00100.
gnomAD v4.1: 146 of 1,609,070 alleles (0.0091%); highest among the groups gnomAD compares: African/African-American, 0.14%; no homozygotes.

Submissions (5):

Labcorp Genetics (formerly Invitae), Labcorp
Classification: Likely benign for Catecholaminergic polymorphic ventricular tachycardia 1. Last evaluated: 2025-12-31. Review status: criteria provided, single submitter. Criteria: Invitae Variant Classification Sherloc (09022015). Collection method: clinical testing. Allele origin: germline.

Blueprint Genetics
Classification: Likely benign. Last evaluated: 2024-10-18. Review status: criteria provided, single submitter. Criteria: ACMG Guidelines, 2015. Collection method: clinical testing. Allele origin: germline.

Fulgent Genetics
Classification: Likely benign for Catecholaminergic polymorphic ventricular tachycardia 1; Catecholaminergic polymorphic ventricular tachycardia 5. Last evaluated: 2021-09-01. Review status: criteria provided, single submitter. Criteria: ACMG Guidelines, 2015. Collection method: clinical testing. Allele origin: unknown.

GeneDx
Classification: Likely benign. Last evaluated: 2020-11-18. Review status: criteria provided, single submitter. Criteria: GeneDx Variant Classification Process June 2021. Collection method: clinical testing. Allele origin: germline. Affected: yes.

Laboratory for Molecular Medicine, Mass General Brigham Personalized Medicine
Classification: Likely benign. Last evaluated: 2016-06-13. Review status: criteria provided, single submitter. Criteria: LMM Criteria. Collection method: clinical testing. Allele origin: germline. Observed: 1 variant allele.
Comment: c.1472-13C>T in intron 23 of TRDN: This variant is not expected to have clinical significance because a C>T change at this position does not diverge from the sp lice consensus sequence and is therefore unlikely to impact splicing. It has bee n identified in 0.1% (13/9714) of African chromosomes by the Exome Aggregation C onsortium (ExAC; dbSNP rs367962513).